The following is an entry in ClinVar:

NM_170606.3(KMT2C):c.6022A>G (p.Thr2008Ala)

Gene: KMT2C (lysine methyltransferase 2C; minus strand). Cytogenetic location: 7q36.1.
Variant type: single nucleotide variant.
Coding change: c.6022A>G on transcript NM_170606.3 (MANE Select); coding-DNA position 6022, A replaced by G.
Protein change: p.Thr2008Ala; replaces threonine 2008 with alanine.
Molecular consequence: missense variant.
Genome position (GRCh38, 1-based): chr7:152,181,838, T>C on the plus strand (A>G on the coding strand, the complement: KMT2C is on the minus strand). VCF-style: chr7-152181838-T-C. GRCh37 (hg19) VCF-style: chr7-151878923-T-C.
Other names: short protein forms T2008A.
Identifiers: ClinVar variation 134754 (VCV000134754.12), dbSNP rs6951159, ClinGen allele CA160679.

ClinVar aggregate classification (germline): Benign. Review status: criteria provided, multiple submitters, no conflicts (2 of 4 stars). 3 submissions from 3 submitters: Benign (2). 1 of the submissions does not count toward it. Last evaluated 2026-01-20.

Allele frequency attached by ClinVar (database versions not stated): gnomAD exomes 0.00096 and 0.00240; ExAC 0.00291; gnomAD 0.00977 and 0.01061; 1000 Genomes Project 0.01018; TOPMed 0.01079; ESP Exome Variant Server 0.01092; 1000 Genomes Project 30x 0.01124.
gnomAD v4.1: 2,927 of 1,614,138 alleles (0.18%); highest among the groups gnomAD compares: African/African-American, 3.5%; 52 homozygotes.

Submissions (3):

Labcorp Genetics (formerly Invitae), Labcorp
Classification: Benign. Last evaluated: 2026-01-20. Review status: criteria provided, single submitter. Criteria: Invitae Variant Classification Sherloc (09022015). Collection method: clinical testing. Allele origin: germline.

Breakthrough Genomics
Classification: Benign. Review status: criteria provided, single submitter. Criteria: ACMG Guidelines, 2015. Collection method: not provided. Allele origin: germline. Inheritance: Autosomal dominant inheritance. Affected: yes.

ITMI
No classification provided. Condition: AllHighlyPenetrant. Last evaluated: 2013-09-19. Review status: no classification provided. Collection method: reference population. Allele origin: germline. Not counted in ClinVar's aggregate classification.
Comment: Please see associated publication for description of ethnicities

Literature cited by the submitters: PubMed 24728327 (cited by ITMI).